The following is an entry in ClinVar:

NM_173648.4(CCDC141):c.2614C>G (p.Leu872Val)

Gene: CCDC141 (coiled-coil domain containing 141; minus strand). Cytogenetic location: 2q31.2.
Variant type: single nucleotide variant.
Coding change: c.2614C>G on transcript NM_173648.4 (MANE Select); coding-DNA position 2614, C replaced by G.
Protein change: p.Leu872Val; replaces leucine 872 with valine.
Molecular consequence: missense variant.
Genome position (GRCh38, 1-based): chr2:178,865,877, G>C on the plus strand (C>G on the coding strand, the complement: CCDC141 is on the minus strand). VCF-style: chr2-178865877-G-C. GRCh37 (hg19) VCF-style: chr2-179730604-G-C.
Other names: short protein forms L872V.
Identifiers: ClinVar variation 737173 (VCV000737173.10), dbSNP rs144766496, ClinGen allele CA2006961.

ClinVar aggregate classification (germline): Likely benign. Review status: criteria provided, multiple submitters, no conflicts (2 of 4 stars). 3 submissions from 3 submitters: Likely benign (2). 1 of the submissions does not count toward it. Last evaluated 2025-03-05.

Conditions:
CCDC141-related disorder. Also called: CCDC141-related condition.

Allele frequency attached by ClinVar (database versions not stated): gnomAD exomes 0.00021 and 0.00050; ExAC 0.00068; 1000 Genomes Project 30x 0.00156; 1000 Genomes Project 0.00160; gnomAD 0.00212 and 0.00225; ESP Exome Variant Server 0.00215; TOPMed 0.00221.
gnomAD v4.1: 648 of 1,601,880 alleles (0.04%); highest among the groups gnomAD compares: African/African-American, 0.73%; 1 homozygote.

Submissions (3):

Labcorp Genetics (formerly Invitae), Labcorp
Classification: Likely benign. Last evaluated: 2025-03-05. Review status: criteria provided, single submitter. Criteria: Invitae Variant Classification Sherloc (09022015). Collection method: clinical testing. Allele origin: germline.

Breakthrough Genomics
Classification: Likely benign. Review status: criteria provided, single submitter. Criteria: ACMG Guidelines, 2015. Collection method: not provided. Allele origin: germline. Inheritance: Unknown mechanism. Affected: yes.

PreventionGenetics, part of Exact Sciences
Classification: Likely benign for CCDC141-related condition. Last evaluated: 2020-04-02. Review status: no assertion criteria provided. Collection method: clinical testing. Allele origin: germline. Not counted in ClinVar's aggregate classification.
Comment: This variant is classified as likely benign based on ACMG/AMP sequence variant interpretation guidelines (Richards et al. 2015 PMID: 25741868, with internal and published modifications).